The following is an entry in ClinVar:

NM_206933.4(USH2A):c.12854G>A (p.Trp4285Ter)

Gene: USH2A (usherin; minus strand). Cytogenetic location: 1q41.
Variant type: single nucleotide variant.
Coding change: c.12854G>A on transcript NM_206933.4 (MANE Select); coding-DNA position 12854, G replaced by A.
Protein change: p.Trp4285Ter; replaces tryptophan 4285 with a stop codon.
Molecular consequence: nonsense.
Genome position (GRCh38, 1-based): chr1:215,675,057, C>T on the plus strand (G>A on the coding strand, the complement: USH2A is on the minus strand). VCF-style: chr1-215675057-C-T. GRCh37 (hg19) VCF-style: chr1-215848399-C-T.
Other names: short protein forms W4285*.
Identifiers: ClinVar variation 657539 (VCV000657539.8), dbSNP rs766491471, ClinGen allele CA1393396.

ClinVar aggregate classification (germline): Pathogenic. Review status: criteria provided, multiple submitters, no conflicts (2 of 4 stars). 3 submissions from 3 submitters: Pathogenic (3). Last evaluated 2024-11-01.

Conditions:
USH2A-related disorder. Also called: USH2A-related disorders; USH2A-related condition. Identifiers: MedGen CN239332.
Usher syndrome type 2A. Also called: USHER SYNDROME, TYPE IIA; RETINAL DISEASE IN USHER SYNDROME TYPE IIA, MODIFIER OF. Identifiers: Orphanet 231178, Orphanet 886, MedGen C1848634, MONDO:0010169, OMIM 276901.
Retinitis pigmentosa 39 (RP39). Identifiers: Orphanet 791, MedGen C3151138, MONDO:0013436, OMIM 613809.

Allele frequency attached by ClinVar (database versions not stated): gnomAD exomes below 0.00001; ExAC 0.00001.
gnomAD v4.1: 2 of 1,614,086 alleles (0.00012%); highest among the groups gnomAD compares: South Asian, 0.0022%; no homozygotes.

Submissions (3):

Blueprint Genetics
Classification: Pathogenic for USH2A-related disorders. Last evaluated: 2024-11-01. Review status: criteria provided, single submitter. Criteria: ACMG Guidelines, 2015. Collection method: clinical testing. Allele origin: germline. Affected: yes. Observed: 2 variant alleles.

Fulgent Genetics
Classification: Pathogenic for Usher syndrome type 2A; Retinitis pigmentosa 39. Last evaluated: 2024-05-20. Review status: criteria provided, single submitter. Criteria: ACMG Guidelines, 2015. Collection method: clinical testing. Allele origin: germline.

Labcorp Genetics (formerly Invitae), Labcorp
Classification: Pathogenic. Last evaluated: 2023-06-27. Review status: criteria provided, single submitter. Criteria: Invitae Variant Classification Sherloc (09022015). Collection method: clinical testing. Allele origin: germline.
Comment: For these reasons, this variant has been classified as Pathogenic. ClinVar contains an entry for this variant (Variation ID: 657539). This variant has not been reported in the literature in individuals affected with USH2A-related conditions. This variant is present in population databases (rs766491471, gnomAD 0.003%). This sequence change creates a premature translational stop signal (p.Trp4285*) in the USH2A gene. It is expected to result in an absent or disrupted protein product. Loss-of-function variants in USH2A are known to be pathogenic (PMID: 10729113, 10909849, 20507924, 25649381).

Literature cited by the submitters: PubMed 10729113 (cited by Labcorp Genetics (formerly Invitae), Labcorp); PubMed 10909849 (cited by Labcorp Genetics (formerly Invitae), Labcorp); PubMed 20507924 (cited by Labcorp Genetics (formerly Invitae), Labcorp); PubMed 25649381 (cited by Labcorp Genetics (formerly Invitae), Labcorp).